The following is an entry in ClinVar:

NM_003227.4(TFR2):c.2269G>A (p.Gly757Arg)

Gene: TFR2 (transferrin receptor 2; minus strand). Cytogenetic location: 7q22.1.
Variant type: single nucleotide variant.
Coding change: c.2269G>A on transcript NM_003227.4 (MANE Select); coding-DNA position 2269, G replaced by A.
Protein change: p.Gly757Arg; replaces glycine 757 with arginine.
Molecular consequence: missense variant.
Genome position (GRCh38, 1-based): chr7:100,620,994, C>T on the plus strand (G>A on the coding strand, the complement: TFR2 is on the minus strand). VCF-style: chr7-100620994-C-T. GRCh37 (hg19) VCF-style: chr7-100218617-C-T.
Other names: c.1756G>A, p.Gly586Arg (NM_001206855.3); short protein forms G757R, G586R.
Identifiers: ClinVar variation 239514 (VCV000239514.5), dbSNP rs774907552, ClinGen allele CA4386173.

ClinVar aggregate classification (germline): Uncertain significance. Review status: criteria provided, single submitter (1 of 4 stars). 2 submissions from 2 submitters: Uncertain significance (1). 1 of the submissions does not count toward it. Last evaluated 2021-09-01.

Conditions:
Hereditary hemochromatosis (HFE). Identifiers: MedGen C0392514, MONDO:0006507. Disease mechanism: loss of function.
Hemochromatosis type 3 (HFE3). Also called: Hereditary hemochromatosis type 3; HEMOCHROMATOSIS DUE TO DEFECT IN TRANSFERRIN RECEPTOR 2; TFR2-Related Hemochromatosis. Identifiers: Orphanet 225123, MedGen C1858664, MONDO:0011417, OMIM 604250.

Allele frequency attached by ClinVar (database versions not stated): gnomAD 0.00005; gnomAD exomes 0.00001; TOPMed 0.00002; ExAC 0.00005.
gnomAD v4.1: 23 of 1,609,482 alleles (0.0014%); highest among the groups gnomAD compares: Admixed American, 0.0051%; 1 homozygote.

Submissions (2):

Labcorp Genetics (formerly Invitae), Labcorp
Classification: Uncertain significance for Hereditary hemochromatosis. Last evaluated: 2021-09-01. Review status: criteria provided, single submitter. Criteria: Invitae Variant Classification Sherloc (09022015). Collection method: clinical testing. Allele origin: germline.
Comment: This sequence change replaces glycine with arginine at codon 757 of the TFR2 protein (p.Gly757Arg). The glycine residue is moderately conserved and there is a moderate physicochemical difference between glycine and arginine. This variant is present in population databases (rs774907552, ExAC 0.02%). This variant has not been reported in the literature in individuals affected with TFR2-related conditions. Algorithms developed to predict the effect of missense changes on protein structure and function output the following: SIFT: "Tolerated"; PolyPhen-2: "Benign"; Align-GVGD: "Class C0". The arginine amino acid residue is found in multiple mammalian species, which suggests that this missense change does not adversely affect protein function. In summary, the available evidence is currently insufficient to determine the role of this variant in disease. Therefore, it has been classified as a Variant of Uncertain Significance.

Natera, Inc.
Classification: Uncertain significance for Hereditary hemochromatosis type 3. Last evaluated: 2020-02-01. Review status: no assertion criteria provided. Collection method: clinical testing. Allele origin: germline. Not counted in ClinVar's aggregate classification.